The following is an entry in ClinVar:

NM_001287491.2(TET3):c.4893G>A (p.Ala1631=)

Gene: TET3 (tet methylcytosine dioxygenase 3; plus strand). Cytogenetic location: 2p13.1.
Variant type: single nucleotide variant.
Coding change: c.4893G>A on transcript NM_001287491.2 (MANE Select); coding-DNA position 4893, G replaced by A.
Protein change: p.Ala1631=; no amino-acid change (alanine 1631 retained).
Molecular consequence: synonymous variant.
Genome position (GRCh38, 1-based): chr2:74,101,681, G>A. VCF-style: chr2-74101681-G-A. GRCh37 (hg19) VCF-style: chr2-74328808-G-A.
Other names: c.4614G>A, p.Ala1538= (NM_001366022.1); c.4488G>A, p.Ala1496= (NM_144993.1).
Identifiers: ClinVar variation 3027252 (VCV003027252.22), dbSNP rs766328938, ClinGen allele CA1719321.
Genomic context (GRCh38, chr2:74,101,681, plus strand): 5'-GCCGGCTGAGGAGCCCCCCAGCAAGGGAGCGGTGAAGGAGGAGAAGGGCGGTGGTGGTGC[G>A]GAGGAGGAAGAGGAGGAGCTGTGGTCGGACAGTGAACACAACTTCCTGGACGAGAACATC-3'
Protein context (NP_001274420.1, residues 1621-1641): AVKEEKGGGG[Ala1631=]EEEEEELWSD

ClinVar aggregate classification (germline): Likely benign (1 of 4 stars; one submission).

Submission:

CeGaT Center for Human Genetics Tuebingen
Classification: Likely benign. Last evaluated: 2024-02-01. Review status: criteria provided, single submitter. Criteria: CeGaT Center For Human Genetics Tuebingen Variant Classification Criteria Version 2. Collection method: clinical testing. Allele origin: germline. Affected: yes. Observed: 1 variant allele.
Comment: TET3: BP4, BP7